The following is an entry in ClinVar:

NM_006206.6(PDGFRA):c.3112A>C (p.Asn1038His)

Gene: PDGFRA (platelet derived growth factor receptor alpha; plus strand). Cytogenetic location: 4q12.
Variant type: single nucleotide variant.
Coding change: c.3112A>C on transcript NM_006206.6 (MANE Select); coding-DNA position 3112, A replaced by C.
Protein change: p.Asn1038His; replaces asparagine 1038 with histidine.
Molecular consequence: missense variant.
Genome position (GRCh38, 1-based): chr4:54,290,544, A>C. VCF-style: chr4-54290544-A-C. GRCh37 (hg19) VCF-style: chr4-55156711-A-C.
Other names: c.3187A>C, p.Asn1063His (NM_001347828.2); c.3112A>C, p.Asn1038His (NM_001347829.2); c.3151A>C, p.Asn1051His (NM_001347830.2); c.3112A>C (NM_006206.5, NM_006206.4); short protein forms N1063H, N1038H, N1051H.
Identifiers: ClinVar variation 1472145 (VCV001472145.8), dbSNP rs2110349127, ClinGen allele CA356896403.

ClinVar aggregate classification (germline): Uncertain significance. Review status: criteria provided, multiple submitters, no conflicts (2 of 4 stars). 3 submissions from 3 submitters: Uncertain significance (3). Last evaluated 2026-01-10.

Conditions:
Gastrointestinal stromal tumor. Also called: Gastrointestinal stroma tumor; Gastrointestinal stromal tumor, somatic. Identifiers: Orphanet 44890, MedGen C0238198, MeSH D046152, MONDO:0011719, OMIM 606764, HP:0100723.
PDGFRA-related disorder. Also called: PDGFRA-related condition.
Hereditary cancer-predisposing syndrome. Also called: Neoplastic Syndromes, Hereditary; Tumor predisposition; Hereditary neoplastic syndrome; Hereditary Cancer Syndrome. Identifiers: Orphanet 140162, MedGen C0027672, MeSH D009386, MONDO:0015356.

Submissions (3):

Ambry Genetics
Classification: Uncertain significance for Hereditary cancer-predisposing syndrome. Last evaluated: 2026-01-10. Review status: criteria provided, single submitter. Criteria: Ambry Variant Classification Scheme 2023. Collection method: clinical testing. Allele origin: germline.
Comment: The p.N1038H variant (also known as c.3112A>C), located in coding exon 21 of the PDGFRA gene, results from an A to C substitution at nucleotide position 3112. The asparagine at codon 1038 is replaced by histidine, an amino acid with similar properties. This amino acid position is conserved. In addition, this alteration is predicted to be tolerated by in silico analysis. Based on the available evidence, the clinical significance of this variant remains unclear.

PreventionGenetics, part of Exact Sciences
Classification: Uncertain significance for PDGFRA-related condition. Last evaluated: 2024-11-15. Review status: criteria provided, single submitter. Criteria: ACMG Guidelines, 2015. Collection method: clinical testing. Allele origin: germline.
Comment: The PDGFRA c.3112A>C variant is predicted to result in the amino acid substitution p.Asn1038His. To our knowledge, this variant has not been reported in the literature or in a large population database (gnomAD), indicating this variant is rare. This variant is interpreted as uncertain significance in ClinVar. At this time, the clinical significance of this variant is uncertain due to the absence of conclusive functional and genetic evidence.

Labcorp Genetics (formerly Invitae), Labcorp
Classification: Uncertain significance for Gastrointestinal stromal tumor. Last evaluated: 2023-10-08. Review status: criteria provided, single submitter. Criteria: Invitae Variant Classification Sherloc (09022015). Collection method: clinical testing. Allele origin: germline.
Comment: This sequence change replaces asparagine, which is neutral and polar, with histidine, which is basic and polar, at codon 1038 of the PDGFRA protein (p.Asn1038His). This variant is not present in population databases (gnomAD no frequency). This variant has not been reported in the literature in individuals affected with PDGFRA-related conditions. ClinVar contains an entry for this variant (Variation ID: 1472145). Advanced modeling of protein sequence and biophysical properties (such as structural, functional, and spatial information, amino acid conservation, physicochemical variation, residue mobility, and thermodynamic stability) performed at Invitae indicates that this missense variant is not expected to disrupt PDGFRA protein function. In summary, the available evidence is currently insufficient to determine the role of this variant in disease. Therefore, it has been classified as a Variant of Uncertain Significance.